The following is an entry in ClinVar:

NM_002860.4(ALDH18A1):c.809-330G>A

Gene: ALDH18A1 (aldehyde dehydrogenase 18 family member A1; minus strand). Cytogenetic location: 10q24.1.
Variant type: single nucleotide variant.
Coding change: c.809-330G>A on transcript NM_002860.4 (MANE Select); 330 bases into the intron before coding-DNA position 809, G replaced by A.
Molecular consequence: intron variant.
Genome position (GRCh38, 1-based): chr10:95,628,822, C>T on the plus strand (G>A on the coding strand, the complement: ALDH18A1 is on the minus strand). VCF-style: chr10-95628822-C-T. GRCh37 (hg19) VCF-style: chr10-97388579-C-T.
Other names: c.173-330G>A (NM_001323419.2); c.476-330G>A (NM_001323412.2, NM_001323416.2); c.704-330G>A (NM_001323417.2); c.803-330G>A (NM_001017423.2, NM_001323415.2); c.470-330G>A (NM_001323418.2); c.809-330G>A (NM_001323413.2, NM_001323414.2).
Identifiers: ClinVar variation 683818 (VCV000683818.2), dbSNP rs10882644, ClinGen allele CA15638353.

ClinVar aggregate classification (germline): Benign. Review status: criteria provided, multiple submitters, no conflicts (2 of 4 stars). 2 submissions from 2 submitters: Benign (2). Last evaluated 2018-06-18.

Allele frequency attached by ClinVar (database versions not stated): 1000 Genomes Project 0.19629; 1000 Genomes Project 30x 0.20315; gnomAD 0.27327 and 0.27635; TOPMed 0.27559; gnomAD exomes 0.30453.
gnomAD v4.1: 105,351 of 361,078 alleles (29%); highest among the groups gnomAD compares: Admixed American, 40%; 17,447 homozygotes.

Submissions (2):

GeneDx
Classification: Benign. Last evaluated: 2018-06-18. Review status: criteria provided, single submitter. Criteria: GeneDx Variant Classification (06012015). Collection method: clinical testing. Allele origin: germline. Affected: yes.
Comment: This variant is considered likely benign or benign based on one or more of the following criteria: it is a conservative change, it occurs at a poorly conserved position in the protein, it is predicted to be benign by multiple in silico algorithms, and/or has population frequency not consistent with disease.

Breakthrough Genomics
Classification: Benign. Review status: criteria provided, single submitter. Criteria: ACMG Guidelines, 2015. Collection method: not provided. Allele origin: germline. Inheritance: Autosomal recessive inheritance. Affected: yes.